The following is an entry in ClinVar:

NM_001854.4(COL11A1):c.3263A>C (p.Glu1088Ala)

Gene: COL11A1 (collagen type XI alpha 1 chain; minus strand). Cytogenetic location: 1p21.1.
Variant type: single nucleotide variant.
Coding change: c.3263A>C on transcript NM_001854.4 (MANE Select); coding-DNA position 3263, A replaced by C.
Protein change: p.Glu1088Ala; replaces glutamic acid 1088 with alanine.
Molecular consequence: missense variant. On other transcripts: non-coding transcript variant (1).
Genome position (GRCh38, 1-based): chr1:102,946,862, T>G on the plus strand (A>C on the coding strand, the complement: COL11A1 is on the minus strand). VCF-style: chr1-102946862-T-G. GRCh37 (hg19) VCF-style: chr1-103412418-T-G.
Other names: c.3146A>C, p.Glu1049Ala (NM_001190709.2); c.3299A>C, p.Glu1100Ala (NM_080629.3); c.2915A>C, p.Glu972Ala (NM_080630.4); c.3263A>C (NM_001854.3); short protein forms E1049A, E972A, E1088A, E1100A.
Identifiers: ClinVar variation 1395512 (VCV001395512.8), dbSNP rs890128212, ClinGen allele CA27697898.
Genomic context (GRCh38, chr1:102,946,862, plus strand): 5'-GTGTACAGGGTAGCAGCATAATATATTTTCTCCTAGACATTACTTACAGGAGCACCTTTC[T>G]CTCCAGCTGGACCAGGAGGACCCTGAGGTCCCGGGCGCCCTGGTAAACCAATTGGGCCAG-3'
Protein context (NP_001845.3, residues 1078-1098): GPQGPPGPAG[Glu1088Ala]KGAPGEKGPQ

ClinVar aggregate classification (germline): Uncertain significance. Review status: criteria provided, multiple submitters, no conflicts (2 of 4 stars). 2 submissions from 2 submitters: Uncertain significance (2). Last evaluated 2022-02-23.

Conditions:
Marshall syndrome (MRSHS). Identifiers: Orphanet 560, MedGen C0265235, MONDO:0007949, OMIM 154780.
Hearing loss, autosomal dominant 37. Also called: DEAFNESS, AUTOSOMAL DOMINANT 37. Identifiers: MedGen C4760307, MONDO:0032802, OMIM 618533.
Stickler syndrome type 2 (STL2). Also called: STICKLER SYNDROME, TYPE II; COL11A1-Related Stickler Syndrome; STICKLER SYNDROME, BEADED VITREOUS TYPE; STICKLER SYNDROME, VITREOUS TYPE 2. Identifiers: Orphanet 828, Orphanet 90654, MedGen C1858084, MONDO:0011493, OMIM 604841.
Stickler syndrome. Identifiers: Orphanet 828, MedGen C0265253, MONDO:0019354.
Fibrochondrogenesis. Identifiers: Orphanet 2021, MedGen C0265282, MONDO:0016068.

Allele frequency attached by ClinVar (database versions not stated): gnomAD exomes below 0.00001; TOPMed 0.00001.
gnomAD v4.1: 2 of 1,613,380 alleles (0.00012%); highest among the groups gnomAD compares: Non-Finnish European, 0.00017%; no homozygotes.

Submissions (2):

Labcorp Genetics (formerly Invitae), Labcorp
Classification: Uncertain significance. Last evaluated: 2022-02-23. Review status: criteria provided, single submitter. Criteria: Invitae Variant Classification Sherloc (09022015). Collection method: clinical testing. Allele origin: germline.
Comment: Advanced modeling of protein sequence and biophysical properties (such as structural, functional, and spatial information, amino acid conservation, physicochemical variation, residue mobility, and thermodynamic stability) performed at Invitae indicates that this missense variant is not expected to disrupt COL11A1 protein function. This sequence change replaces glutamic acid, which is acidic and polar, with alanine, which is neutral and non-polar, at codon 1088 of the COL11A1 protein (p.Glu1088Ala). This variant is not present in population databases (gnomAD no frequency). This variant has not been reported in the literature in individuals affected with COL11A1-related conditions. In summary, the available evidence is currently insufficient to determine the role of this variant in disease. Therefore, it has been classified as a Variant of Uncertain Significance.

Blueprint Genetics
Classification: Uncertain significance. Last evaluated: 2021-03-02. Review status: criteria provided, single submitter. Criteria: ACMG Guidelines, 2015. Collection method: clinical testing. Allele origin: germline.